The following is an entry in ClinVar:

NM_001868.4(CPA1):c.206T>A (p.Phe69Tyr)

Gene: CPA1 (carboxypeptidase A1; plus strand). Cytogenetic location: 7q32.2.
Variant type: single nucleotide variant.
Coding change: c.206T>A on transcript NM_001868.4 (MANE Select); coding-DNA position 206, T replaced by A.
Protein change: p.Phe69Tyr; replaces phenylalanine 69 with tyrosine.
Molecular consequence: missense variant.
Genome position (GRCh38, 1-based): chr7:130,381,688, T>A. VCF-style: chr7-130381688-T-A. GRCh37 (hg19) VCF-style: chr7-130021529-T-A.
Other names: short protein forms F69Y.
Identifiers: ClinVar variation 4233084 (VCV004233084.1).

ClinVar aggregate classification (germline): Uncertain significance (1 of 4 stars; one submission).

Conditions:
Hereditary pancreatitis (PCTT). Also called: Hereditary chronic pancreatitis; PRSS1-Related Hereditary Pancreatitis. Identifiers: Orphanet 676, MedGen C0238339, MONDO:0008185, OMIM 167800.

Submission:

Ambry Genetics
Classification: Uncertain significance for Hereditary pancreatitis. Last evaluated: 2025-07-04. Review status: criteria provided, single submitter. Criteria: Ambry Variant Classification Scheme 2023. Collection method: clinical testing. Allele origin: germline.
Comment: The p.F69Y variant (also known as c.206T>A), located in coding exon 3 of the CPA1 gene, results from a T to A substitution at nucleotide position 206. The phenylalanine at codon 69 is replaced by tyrosine, an amino acid with highly similar properties. This amino acid position is conserved. In addition, this alteration is predicted to be tolerated by in silico analysis. Based on the available evidence, the clinical significance of this variant remains unclear.